The following is an entry in ClinVar:

ClinVar aggregate classification (germline): Uncertain significance. Review status: criteria provided, multiple submitters, no conflicts (2 of 4 stars). 6 submissions from 6 submitters: Uncertain significance (6). Last evaluated 2026-01-21.

Conditions:
Cardiomyopathy (CMYO). Also called: Cardiomyopathies. Identifiers: Orphanet 167848, MedGen C0878544, MONDO:0004994, HP:0001638. Inheritance: Various modes of inheritance.
Primary dilated cardiomyopathy (DCM). Also called: Dilated Cardiomyopathy. Identifiers: Orphanet 217604, MedGen C0007193, MeSH D002311, MONDO:0005021, HP:0001644. Inheritance: Various modes of inheritance.
Charcot-Marie-Tooth disease type 2. Also called: Charcot-Marie-Tooth type 2. Identifiers: Orphanet 64746, MedGen C0270914, MONDO:0018993.
Cardiovascular phenotype. Identifiers: MedGen CN230736.

Allele frequency attached by ClinVar (database versions not stated): gnomAD 0.00001; gnomAD exomes 0.00001; TOPMed 0.00001.
gnomAD v4.1: 10 of 1,612,488 alleles (0.00062%); highest among the groups gnomAD compares: East Asian, 0.0089%; no homozygotes.

Submissions (6):

Ambry Genetics
Classification: Uncertain significance for Cardiovascular phenotype. Last evaluated: 2026-01-21. Review status: criteria provided, single submitter. Criteria: Ambry Variant Classification Scheme 2023. Collection method: clinical testing. Allele origin: germline.
Comment: The p.A577T variant (also known as c.1729G>A), located in coding exon 11 of the LMNA gene, results from a G to A substitution at nucleotide position 1729. The alanine at codon 577 is replaced by threonine, an amino acid with similar properties. This variant was reported in individual(s) with features consistent with ventricular tachycardia, ventricular fibrillation and myocardial infarction (Nishiuchi S et al. Circ Cardiovasc Genet, 2017 Dec;10:). This amino acid position is not well conserved in available vertebrate species. In addition, the in silico prediction for this alteration is inconclusive. Based on the available evidence, the clinical significance of this variant remains unclear.

Labcorp Genetics (formerly Invitae), Labcorp
Classification: Uncertain significance for Charcot-Marie-Tooth disease type 2. Last evaluated: 2026-01-09. Review status: criteria provided, single submitter. Criteria: Invitae Variant Classification Sherloc (09022015). Collection method: clinical testing. Allele origin: germline.
Comment: This sequence change replaces alanine, which is neutral and non-polar, with threonine, which is neutral and polar, at codon 577 of the LMNA protein (p.Ala577Thr). The frequency data for this variant in the population databases is considered unreliable, as metrics indicate poor data quality at this position in the gnomAD database. This missense change has been observed in individual(s) with arrhythmia and/or myocardial infarction (PMID: 29237675). ClinVar contains an entry for this variant (Variation ID: 641104). Invitae Evidence Modeling of protein sequence and biophysical properties (such as structural, functional, and spatial information, amino acid conservation, physicochemical variation, residue mobility, and thermodynamic stability) indicates that this missense variant is expected to disrupt LMNA protein function with a positive predictive value of 95%. In summary, the available evidence is currently insufficient to determine the role of this variant in disease. Therefore, it has been classified as a Variant of Uncertain Significance.

Color Diagnostics, LLC DBA Color Health
Classification: Uncertain significance for Cardiomyopathy. Last evaluated: 2025-07-08. Review status: criteria provided, single submitter. Criteria: ACMG Guidelines, 2015. Collection method: clinical testing. Allele origin: germline.
Comment: This missense variant replaces alanine with threonine at codon 577 of the lamin A protein. Computational prediction tool suggests that this variant may not impact protein structure and function. This variant represents a single nucleotide substitution in the 3' untranslated region of the lamin C transcript (ENST00000361308:c.*754G>A). To our knowledge, functional studies have not been reported for this variant. This variant has been reported in individuals affected with ventricular fibrillation, ventricular tachycardia, and/or acute myocardial infarction (PMID: 29237675). This variant has been identified in 2/241206 chromosomes in the general population by the Genome Aggregation Database (gnomAD). The available evidence is insufficient to determine the role of this variant in disease conclusively. Therefore, this variant is classified as a Variant of Uncertain Significance.

Women's Health and Genetics/Laboratory Corporation of America, LabCorp
Classification: Uncertain significance. Last evaluated: 2025-03-31. Review status: criteria provided, single submitter. Criteria: LabCorp Variant Classification Summary - May 2015. Collection method: clinical testing. Allele origin: germline.
Comment: Variant summary: LMNA c.1729G>A (p.Ala577Thr) results in a non-conservative amino acid change in the encoded protein sequence. Three of five in-silico tools predict a benign effect of the variant on protein function. The variant allele was found at a frequency of 8.3e-06 in 241206 control chromosomes. The available data on variant occurrences in the general population are insufficient to allow any conclusion about variant significance. c.1729G>A has been reported in the literature in individuals affected with ventricular fibrillation, ventricular tachycardia and/or acute mycocardial infarction (Nishiuchi_2017). This report does not provide unequivocal conclusions about association of the variant with Dilated Cardiomyopathy or other LMNA-related cardiac disorders. To our knowledge, no experimental evidence demonstrating an impact on protein function has been reported. The following publication has been ascertained in the context of this evaluation (PMID: 29237675). ClinVar contains an entry for this variant (Variation ID: 641104). Based on the evidence outlined above, the variant was classified as uncertain significance.

All of Us Research Program, National Institutes of Health
Classification: Uncertain significance for Primary dilated cardiomyopathy. Last evaluated: 2024-01-11. Review status: criteria provided, single submitter. Criteria: ACMG Guidelines, 2015. Collection method: clinical testing. Allele origin: germline. Inheritance: Autosomal dominant inheritance. Observed: 1 variant allele, 1 heterozygote.
Comment: This missense variant replaces alanine with threonine at codon 577 of the LMNA protein. Computational prediction suggests that this variant may not impact protein structure and function (internally defined REVEL score threshold <= 0.5, PMID: 27666373). To our knowledge, functional studies have not been reported for this variant. This variant has been reported in individuals affected with ventricular fibrillation, ventricular tachycardia, and/or acute myocardial infarction (PMID: 29237675). This variant has been identified in 2/241206 chromosomes in the general population by the Genome Aggregation Database (gnomAD). The available evidence is insufficient to determine the role of this variant in disease conclusively. Therefore, this variant is classified as a Variant of Uncertain Significance.

This study involves interpretation of variants in research participants for the purpose of population health screening. Participant phenotype was not available at the time of variant classification. Additional details can be found in publication PMID: 35346344, PMCID: PMC8962531

Revvity Omics, Revvity
Classification: Uncertain significance. Last evaluated: 2019-03-28. Review status: criteria provided, single submitter. Criteria: ACMG Guidelines, 2015. Collection method: clinical testing. Allele origin: germline.

Literature cited by the submitters: PubMed 29237675 (cited by 5 submitters).

NM_170707.4(LMNA):c.1729G>A (p.Ala577Thr)

Gene: LMNA (lamin A/C; plus strand). Cytogenetic location: 1q22.
Variant type: single nucleotide variant.
Coding change: c.1729G>A on transcript NM_170707.4 (MANE Select); coding-DNA position 1729, G replaced by A.
Protein change: p.Ala577Thr; replaces alanine 577 with threonine.
Molecular consequence: missense variant.
Genome position (GRCh38, 1-based): chr1:156,138,518, G>A. VCF-style: chr1-156138518-G-A. GRCh37 (hg19) VCF-style: chr1-156108309-G-A.
Other names: c.1393G>A, p.Ala465Thr (NM_001257374.3); c.1729G>A, p.Ala577Thr (NM_001282626.2); c.1639G>A, p.Ala547Thr (NM_170708.4); short protein forms A547T, A577T, A465T.
Identifiers: ClinVar variation 641104 (VCV000641104.17), dbSNP rs1439261714, ClinGen allele CA342826424.